The following is an entry in ClinVar:

ClinVar aggregate classification (germline): Likely benign. Review status: criteria provided, multiple submitters, no conflicts (2 of 4 stars). 6 submissions from 6 submitters: Likely benign (6). Last evaluated 2025-12-09.

Conditions:
Cardiovascular phenotype. Identifiers: MedGen CN230736.
Cardiomyopathy (CMYO). Also called: Cardiomyopathies. Identifiers: Orphanet 167848, MedGen C0878544, MONDO:0004994, HP:0001638. Inheritance: Various modes of inheritance.
Hypertrophic cardiomyopathy. Also called: HYPERTROPHIC MYOCARDIOPATHY. Identifiers: Orphanet 217569, MedGen C0007194, MeSH D002312, MONDO:0005045, HP:0001639.

Allele frequency attached by ClinVar (database versions not stated): TOPMed 0.00004.

Submissions (6):

Labcorp Genetics (formerly Invitae), Labcorp
Classification: Likely benign for Hypertrophic cardiomyopathy. Last evaluated: 2025-12-09. Review status: criteria provided, single submitter. Criteria: Invitae Variant Classification Sherloc (09022015). Collection method: clinical testing. Allele origin: germline.

All of Us Research Program, National Institutes of Health
Classification: Likely benign for Cardiomyopathy. Last evaluated: 2023-12-01. Review status: criteria provided, single submitter. Criteria: ACMG Guidelines, 2015. Collection method: clinical testing. Allele origin: germline. Inheritance: Autosomal dominant inheritance. Observed: 11 variant alleles, 10 heterozygotes, 1 homozygote.
Comment: This study involves interpretation of variants in research participants for the purpose of population health screening. Participant phenotype was not available at the time of variant classification. Additional details can be found in publication PMID: 35346344, PMCID: PMC8962531

Blueprint Genetics
Classification: Likely benign. Last evaluated: 2021-06-04. Review status: criteria provided, single submitter. Criteria: ACMG Guidelines, 2015. Collection method: clinical testing. Allele origin: germline.

Ambry Genetics
Classification: Likely benign for Cardiovascular phenotype. Last evaluated: 2021-01-25. Review status: criteria provided, single submitter. Criteria: Ambry Variant Classification Scheme 2023. Collection method: clinical testing. Allele origin: germline.

Color Diagnostics, LLC DBA Color Health
Classification: Likely benign for Cardiomyopathy. Last evaluated: 2018-12-16. Review status: criteria provided, single submitter. Criteria: ACMG Guidelines, 2015. Collection method: clinical testing. Allele origin: germline.

GeneDx
Classification: Likely benign. Last evaluated: 2016-05-05. Review status: criteria provided, single submitter. Criteria: GeneDx Variant Classification (06012015). Collection method: clinical testing. Allele origin: germline. Affected: yes.
Comment: This variant is considered likely benign or benign based on one or more of the following criteria: it is a conservative change, it occurs at a poorly conserved position in the protein, it is predicted to be benign by multiple in silico algorithms, and/or has population frequency not consistent with disease.

NM_000257.4(MYH7):c.3981C>T (p.Asn1327=)

Gene: MYH7 (myosin heavy chain 7; minus strand). Cytogenetic location: 14q11.2.
Variant type: single nucleotide variant.
Coding change: c.3981C>T on transcript NM_000257.4 (MANE Select); coding-DNA position 3981, C replaced by T.
Protein change: p.Asn1327=; no amino-acid change (asparagine 1327 retained).
Molecular consequence: synonymous variant.
Genome position (GRCh38, 1-based): chr14:23,418,398, G>A on the plus strand (C>T on the coding strand, the complement: MYH7 is on the minus strand). VCF-style: chr14-23418398-G-A. GRCh37 (hg19) VCF-style: chr14-23887607-G-A.
Other names: c.3981C>T (LRG_384t1).
Identifiers: ClinVar variation 386046 (VCV000386046.17), dbSNP rs141764279, ClinGen allele CA039873.